The following is an entry in ClinVar:

NM_001035.3(RYR2):c.14464C>T (p.Arg4822Cys)

Gene: RYR2 (ryanodine receptor 2; plus strand). Cytogenetic location: 1q43.
Variant type: single nucleotide variant.
Coding change: c.14464C>T on transcript NM_001035.3 (MANE Select); coding-DNA position 14464, C replaced by T.
Protein change: p.Arg4822Cys; replaces arginine 4822 with cysteine.
Molecular consequence: missense variant.
Genome position (GRCh38, 1-based): chr1:237,819,066, C>T. VCF-style: chr1-237819066-C-T. GRCh37 (hg19) VCF-style: chr1-237982366-C-T.
Other names: short protein forms R4822C.
Identifiers: ClinVar variation 3022291 (VCV003022291.3), dbSNP rs876657986, ClinGen allele CA345426075.
Genomic context (GRCh38, chr1:237,819,066, plus strand): 5'-CCAAGAAGTGATACCATGTCTTTTTTCCAGTGCTATATGTTCCACATGTATGTTGGAGTT[C>T]GTGCTGGAGGAGGGATCGGGGATGAAATCGAAGACCCAGCAGGAGATGAATATGAGATCT-3'
Protein context (NP_001026.2, residues 4812-4832): CYMFHMYVGV[Arg4822Cys]AGGGIGDEIE

ClinVar aggregate classification (germline): Uncertain significance (1 of 4 stars; one submission).

Conditions:
Catecholaminergic polymorphic ventricular tachycardia 1. Also called: VENTRICULAR TACHYCARDIA, STRESS-INDUCED POLYMORPHIC 1; RYR2-Related Catecholaminergic Polymorphic Ventricular Tachycardia; VENTRICULAR TACHYCARDIA, CATECHOLAMINERGIC POLYMORPHIC, 1, WITH OR WITHOUT ATRIAL DYSFUNCTION AND/OR DILATED CARDIOMYOPATHY. Identifiers: Orphanet 3286, MedGen C1631597, MONDO:0011484, OMIM 604772.

gnomAD v4.1: 1 of 1,613,768 alleles (0.000062%); highest among the groups gnomAD compares: Non-Finnish European, 0.000085%; no homozygotes.

Submission:

Labcorp Genetics (formerly Invitae), Labcorp
Classification: Uncertain significance for Catecholaminergic polymorphic ventricular tachycardia 1. Last evaluated: 2023-03-20. Review status: criteria provided, single submitter. Criteria: Invitae Variant Classification Sherloc (09022015). Collection method: clinical testing. Allele origin: germline.
Comment: In summary, the available evidence is currently insufficient to determine the role of this variant in disease. Therefore, it has been classified as a Variant of Uncertain Significance. Advanced modeling of protein sequence and biophysical properties (such as structural, functional, and spatial information, amino acid conservation, physicochemical variation, residue mobility, and thermodynamic stability) performed at Invitae indicates that this missense variant is expected to disrupt RYR2 protein function. This variant has not been reported in the literature in individuals affected with RYR2-related conditions. This variant is not present in population databases (gnomAD no frequency). This sequence change replaces arginine, which is basic and polar, with cysteine, which is neutral and slightly polar, at codon 4822 of the RYR2 protein (p.Arg4822Cys).